The following is an entry in ClinVar:

NM_001197104.2(KMT2A):c.4701C>A (p.Asn1567Lys)

Gene: KMT2A (lysine methyltransferase 2A; plus strand). Cytogenetic location: 11q23.3.
Variant type: single nucleotide variant.
Coding change: c.4701C>A on transcript NM_001197104.2 (MANE Select); coding-DNA position 4701, C replaced by A.
Protein change: p.Asn1567Lys; replaces asparagine 1567 with lysine.
Molecular consequence: missense variant.
Genome position (GRCh38, 1-based): chr11:118,491,200, C>A. VCF-style: chr11-118491200-C-A. GRCh37 (hg19) VCF-style: chr11-118361915-C-A.
Other names: c.4701C>A, p.Asn1567Lys (NM_005933.4); c.4701C>A (NM_001197104.1); short protein forms N1567K.
Identifiers: ClinVar variation 1509062 (VCV001509062.8), dbSNP rs369080295, ClinGen allele CA382834244.

ClinVar aggregate classification (germline): Uncertain significance. Review status: criteria provided, multiple submitters, no conflicts (2 of 4 stars). 2 submissions from 2 submitters: Uncertain significance (2). Last evaluated 2026-01-24.

Conditions:
Inborn genetic diseases. Identifiers: MedGen C0950123, MeSH D030342.

gnomAD v4.1: 1 of 1,612,934 alleles (0.000062%); highest among the groups gnomAD compares: Non-Finnish European, 0.000085%; no homozygotes.

Submissions (2):

Labcorp Genetics (formerly Invitae), Labcorp
Classification: Uncertain significance. Last evaluated: 2026-01-24. Review status: criteria provided, single submitter. Criteria: Invitae Variant Classification Sherloc (09022015). Collection method: clinical testing. Allele origin: germline.
Comment: This sequence change replaces asparagine, which is neutral and polar, with lysine, which is basic and polar, at codon 1567 of the KMT2A protein (p.Asn1567Lys). This variant is present in population databases (no rsID available, gnomAD 0.007%). This variant has not been reported in the literature in individuals affected with KMT2A-related conditions. This missense change has been observed in at least one individual who was not affected with KMT2A-related conditions (internal data). ClinVar contains an entry for this variant (Variation ID: 1509062). Invitae Evidence Modeling of protein sequence and biophysical properties (such as structural, functional, and spatial information, amino acid conservation, physicochemical variation, residue mobility, and thermodynamic stability) has been performed for this missense variant. However, the output from this modeling did not meet the statistical confidence thresholds required to predict the impact of this variant on KMT2A protein function. In summary, the available evidence is currently insufficient to determine the role of this variant in disease. Therefore, it has been classified as a Variant of Uncertain Significance.

Ambry Genetics
Classification: Uncertain significance for Inborn genetic diseases. Last evaluated: 2025-09-26. Review status: criteria provided, single submitter. Criteria: Ambry Variant Classification Scheme 2023. Collection method: clinical testing. Allele origin: germline.
Comment: The c.4701C>A (p.N1567K) alteration is located in exon 14 (coding exon 14) of the KMT2A gene. This alteration results from a C to A substitution at nucleotide position 4701, causing the asparagine (N) at amino acid position 1567 to be replaced by a lysine (K). Based on data from gnomAD, the A allele has an overall frequency of 0.003% (1/31400) total alleles studied. The highest observed frequency was 0.007% (1/15428) of European (non-Finnish) alleles. Based on insufficient or conflicting evidence, the clinical significance of this alteration remains unclear.